The following is an entry in ClinVar:

ClinVar aggregate classification (germline): Benign (1 of 4 stars; one submission).

Allele frequency attached by ClinVar (database versions not stated): TOPMed 0.00503; gnomAD exomes 0.00785; 1000 Genomes Project 0.00240; 1000 Genomes Project 30x 0.00344; gnomAD 0.00495; ExAC 0.01133.
gnomAD v4.1: 3,118 of 456,276 alleles (0.68%); highest among the groups gnomAD compares: Middle Eastern, 1.3%; 30 homozygotes.

Submission:

CeGaT Center for Human Genetics Tuebingen
Classification: Benign. Last evaluated: 2023-01-01. Review status: criteria provided, single submitter. Criteria: CeGaT Center For Human Genetics Tuebingen Variant Classification Criteria Version 2. Collection method: clinical testing. Allele origin: germline. Affected: yes. Observed: 1 variant allele.
Comment: TXNDC15: BS1, BS2

NM_024715.4(TXNDC15):c.103+837G>T

Gene: TXNDC15 (thioredoxin domain containing 15; plus strand). Cytogenetic location: 5q31.1.
Variant type: single nucleotide variant.
Coding change: c.103+837G>T on transcript NM_024715.4 (MANE Select); 837 bases into the intron after coding-DNA position 103, G replaced by T.
Molecular consequence: intron variant.
Genome position (GRCh38, 1-based): chr5:134,875,367, G>T. VCF-style: chr5-134875367-G-T. GRCh37 (hg19) VCF-style: chr5-134211057-G-T.
Other names: c.-102+884G>T (NM_001350735.2).
Identifiers: ClinVar variation 2655711 (VCV002655711.24), dbSNP rs115460101, ClinGen allele CA3416760.